The following is an entry in ClinVar:

NM_001352754.2(ARMC9):c.878C>T (p.Thr293Met)

Gene: ARMC9 (armadillo repeat containing 9; plus strand). Cytogenetic location: 2q37.1.
Variant type: single nucleotide variant.
Coding change: c.878C>T on transcript NM_001352754.2 (MANE Select); coding-DNA position 878, C replaced by T.
Protein change: p.Thr293Met; replaces threonine 293 with methionine.
Molecular consequence: missense variant. On other transcripts: non-coding transcript variant (1), intron variant (2).
Genome position (GRCh38, 1-based): chr2:231,240,040, C>T. VCF-style: chr2-231240040-C-T. GRCh37 (hg19) VCF-style: chr2-232104753-C-T.
Other names: c.878C>T, p.Thr293Met (NM_001271466.4, NM_001291656.2, NM_001352755.2 and 3 more transcripts); c.780+4659C>T (NM_001352757.2, NM_001352758.2); short protein forms T293M.
Identifiers: ClinVar variation 1403280 (VCV001403280.6), dbSNP rs761665532, ClinGen allele CA2160076.

ClinVar aggregate classification (germline): Uncertain significance (1 of 4 stars; one submission).

Allele frequency attached by ClinVar (database versions not stated): gnomAD 0.00001; gnomAD exomes 0.00002 and 0.00008; TOPMed 0.00005; ExAC 0.00008.
gnomAD v4.1: 27 of 1,612,192 alleles (0.0017%); highest among the groups gnomAD compares: Admixed American, 0.037%; no homozygotes.

Submission:

Labcorp Genetics (formerly Invitae), Labcorp
Classification: Uncertain significance. Last evaluated: 2024-03-04. Review status: criteria provided, single submitter. Criteria: Invitae Variant Classification Sherloc (09022015). Collection method: clinical testing. Allele origin: germline.
Comment: This sequence change replaces threonine with methionine at codon 293 of the ARMC9 protein (p.Thr293Met). The threonine residue is moderately conserved and there is a moderate physicochemical difference between threonine and methionine. This variant is present in population databases (rs761665532, gnomAD 0.05%). This variant has not been reported in the literature in individuals affected with ARMC9-related conditions. ClinVar contains an entry for this variant (Variation ID: 1403280). Experimental studies and prediction algorithms are not available or were not evaluated, and the functional significance of this variant is currently unknown. In summary, the available evidence is currently insufficient to determine the role of this variant in disease. Therefore, it has been classified as a Variant of Uncertain Significance.